The following is an entry in ClinVar:

ClinVar aggregate classification (germline): Uncertain significance (1 of 4 stars; one submission).

Conditions:
Severe combined immunodeficiency due to DNA-PKcs deficiency. Also called: IMMUNODEFICIENCY 26 WITH NEUROLOGIC ABNORMALITIES; Immunodeficiency 26 with or without neurologic abnormalities. Identifiers: Orphanet 317425, MedGen C4014833, MONDO:0014423, OMIM 615966.

gnomAD v4.1: 9 of 1,535,892 alleles (0.00059%); highest among the groups gnomAD compares: Non-Finnish European, 0.00079%; no homozygotes.

Submission:

Labcorp Genetics (formerly Invitae), Labcorp
Classification: Uncertain significance for Severe combined immunodeficiency due to DNA-PKcs deficiency. Last evaluated: 2024-09-03. Review status: criteria provided, single submitter. Criteria: Invitae Variant Classification Sherloc (09022015). Collection method: clinical testing. Allele origin: germline.
Comment: This sequence change falls in intron 31 of the PRKDC gene. It does not directly change the encoded amino acid sequence of the PRKDC protein. It affects a nucleotide within the consensus splice site. This variant is not present in population databases (gnomAD no frequency). This variant has not been reported in the literature in individuals affected with PRKDC-related conditions. Variants that disrupt the consensus splice site are a relatively common cause of aberrant splicing (PMID: 17576681, 9536098). Algorithms developed to predict the effect of sequence changes on RNA splicing suggest that this variant is not likely to affect RNA splicing. In summary, the available evidence is currently insufficient to determine the role of this variant in disease. Therefore, it has been classified as a Variant of Uncertain Significance.

Literature cited by the submitters: PubMed 17576681; PubMed 9536098.

NM_006904.7(PRKDC):c.3848-3T>C

Gene: PRKDC (protein kinase, DNA-activated, catalytic subunit; minus strand). Cytogenetic location: 8q11.21.
Variant type: single nucleotide variant.
Coding change: c.3848-3T>C on transcript NM_006904.7 (MANE Select); 3 bases into the intron before coding-DNA position 3848, T replaced by C.
Molecular consequence: intron variant.
Genome position (GRCh38, 1-based): chr8:47,890,483, A>G on the plus strand (T>C on the coding strand, the complement: PRKDC is on the minus strand). VCF-style: chr8-47890483-A-G. GRCh37 (hg19) VCF-style: chr8-48803044-A-G.
Other names: c.3848-3T>C (NM_001081640.2).
Identifiers: ClinVar variation 3625390 (VCV003625390.2).